The following is an entry in ClinVar:

ClinVar aggregate classification (germline): Likely benign (1 of 4 stars; one submission).

gnomAD v4.1: 12 of 1,462,894 alleles (0.00082%); highest among the groups gnomAD compares: East Asian, 0.0031%; no homozygotes.

Submission:

CeGaT Center for Human Genetics Tuebingen
Classification: Likely benign. Last evaluated: 2022-12-01. Review status: criteria provided, single submitter. Criteria: CeGaT Center For Human Genetics Tuebingen Variant Classification Criteria Version 2. Collection method: clinical testing. Allele origin: germline. Affected: yes. Observed: 1 variant allele.
Comment: SFPQ: BP4, BP7

NM_005066.3(SFPQ):c.768C>T (p.His256=)

Genes: SFPQ (splicing factor proline and glutamine rich; minus strand), LOC129930101 (ATAC-STARR-seq lymphoblastoid silent region 636; plus strand). Cytogenetic location: 1p34.3.
Variant type: single nucleotide variant.
Coding change: c.768C>T on transcript NM_005066.3 (MANE Select); coding-DNA position 768, C replaced by T.
Protein change: p.His256=; no amino-acid change (histidine 256 retained).
Molecular consequence: synonymous variant. On other transcripts: non-coding transcript variant (2).
Genome position (GRCh38, 1-based): chr1:35,192,282, G>A on the plus strand (C>T on the coding strand, the complement: SFPQ is on the minus strand). VCF-style: chr1-35192282-G-A. GRCh37 (hg19) VCF-style: chr1-35657883-G-A.
Identifiers: ClinVar variation 2638643 (VCV002638643.24), dbSNP rs1207325648, ClinGen allele CA417141636.